The following is an entry in ClinVar:

ClinVar aggregate classification (germline): Uncertain significance. Review status: criteria provided, multiple submitters, no conflicts (2 of 4 stars). 2 submissions from 2 submitters: Uncertain significance (2). Last evaluated 2026-01-01.

Submissions (2):

CeGaT Center for Human Genetics Tuebingen
Classification: Uncertain significance. Last evaluated: 2026-01-01. Review status: criteria provided, single submitter. Criteria: CeGaT Center For Human Genetics Tuebingen Variant Classification Criteria Version 2. Collection method: clinical testing. Allele origin: germline. Affected: yes. Observed: 1 variant allele.
Comment: SETD1A: PM2

GeneDx
Classification: Uncertain significance. Last evaluated: 2024-05-06. Review status: criteria provided, single submitter. Criteria: GeneDx Variant Classification Process June 2021. Collection method: clinical testing. Allele origin: germline. Affected: yes.
Comment: Not observed at significant frequency in large population cohorts (gnomAD); In silico analysis supports that this missense variant has a deleterious effect on protein structure/function; Has not been previously published as pathogenic or benign to our knowledge

NM_014712.3(SETD1A):c.136C>T (p.His46Tyr)

Gene: SETD1A (SET domain containing 1A, histone lysine methyltransferase; plus strand). Cytogenetic location: 16p11.2.
Variant type: single nucleotide variant.
Coding change: c.136C>T on transcript NM_014712.3 (MANE Select); coding-DNA position 136, C replaced by T.
Protein change: p.His46Tyr; replaces histidine 46 with tyrosine.
Molecular consequence: missense variant.
Genome position (GRCh38, 1-based): chr16:30,958,867, C>T. VCF-style: chr16-30958867-C-T. GRCh37 (hg19) VCF-style: chr16-30970188-C-T.
Other names: short protein forms H46Y.
Identifiers: ClinVar variation 3376089 (VCV003376089.5).